The following is an entry in ClinVar:

NM_022095.4(ZNF335):c.3038C>T (p.Thr1013Ile)

Gene: ZNF335 (zinc finger protein 335; minus strand). Cytogenetic location: 20q13.12.
Variant type: single nucleotide variant.
Coding change: c.3038C>T on transcript NM_022095.4 (MANE Select); coding-DNA position 3038, C replaced by T.
Protein change: p.Thr1013Ile; replaces threonine 1013 with isoleucine.
Molecular consequence: missense variant.
Genome position (GRCh38, 1-based): chr20:45,952,298, G>A on the plus strand (C>T on the coding strand, the complement: ZNF335 is on the minus strand). VCF-style: chr20-45952298-G-A. GRCh37 (hg19) VCF-style: chr20-44580937-G-A.
Other names: c.3038C>T (NM_022095.3); short protein forms T1013I.
Identifiers: ClinVar variation 1374938 (VCV001374938.9), dbSNP rs200554054, ClinGen allele CA315647711.

ClinVar aggregate classification (germline): Uncertain significance. Review status: criteria provided, multiple submitters, no conflicts (2 of 4 stars). 3 submissions from 3 submitters: Uncertain significance (2). 1 of the submissions does not count toward it. Last evaluated 2025-01-20.

Conditions:
Inborn genetic diseases. Identifiers: MedGen C0950123, MeSH D030342.
ZNF335-related disorder. Also called: ZNF335-related condition.

Allele frequency attached by ClinVar (database versions not stated): gnomAD exomes 0.00001 and 0.00002; TOPMed 0.00001; gnomAD 0.00003 and 0.00004.
gnomAD v4.1: 31 of 1,613,490 alleles (0.0019%); highest among the groups gnomAD compares: Non-Finnish European, 0.0019%; no homozygotes.

Submissions (3):

Labcorp Genetics (formerly Invitae), Labcorp
Classification: Uncertain significance. Last evaluated: 2025-01-20. Review status: criteria provided, single submitter. Criteria: Invitae Variant Classification Sherloc (09022015). Collection method: clinical testing. Allele origin: germline.
Comment: This sequence change replaces threonine, which is neutral and polar, with isoleucine, which is neutral and non-polar, at codon 1013 of the ZNF335 protein (p.Thr1013Ile). This variant is present in population databases (rs200554054, gnomAD 0.01%). This variant has not been reported in the literature in individuals affected with ZNF335-related conditions. ClinVar contains an entry for this variant (Variation ID: 1374938). An algorithm developed to predict the effect of missense changes on protein structure and function (PolyPhen-2) suggests that this variant¬†is likely to be tolerated. In summary, the available evidence is currently insufficient to determine the role of this variant in disease. Therefore, it has been classified as a Variant of Uncertain Significance.

Ambry Genetics
Classification: Uncertain significance for Inborn genetic diseases. Last evaluated: 2024-08-28. Review status: criteria provided, single submitter. Criteria: Ambry Variant Classification Scheme 2023. Collection method: clinical testing. Allele origin: germline.

PreventionGenetics, part of Exact Sciences
Classification: Uncertain significance for ZNF335-related condition. Last evaluated: 2024-05-24. Review status: no assertion criteria provided. Collection method: clinical testing. Allele origin: germline. Not counted in ClinVar's aggregate classification.
Comment: The ZNF335 c.3038C>T variant is predicted to result in the amino acid substitution p.Thr1013Ile. To our knowledge, this variant has not been reported in the literature. This variant is reported in 0.012% of alleles in individuals of European (Finnish) descent in gnomAD. At this time, the clinical significance of this variant is uncertain due to the absence of conclusive functional and genetic evidence.